The following is an entry in ClinVar:

NM_000231.3(SGCG):c.374G>A (p.Arg125Lys)

Gene: SGCG (sarcoglycan gamma; plus strand). Cytogenetic location: 13q12.12.
Variant type: single nucleotide variant.
Coding change: c.374G>A on transcript NM_000231.3 (MANE Select); coding-DNA position 374, G replaced by A.
Protein change: p.Arg125Lys; replaces arginine 125 with lysine.
Molecular consequence: missense variant.
Genome position (GRCh38, 1-based): chr13:23,250,706, G>A. VCF-style: chr13-23250706-G-A. GRCh37 (hg19) VCF-style: chr13-23824845-G-A.
Other names: c.428G>A, p.Arg143Lys (NM_001378244.1); c.374G>A, p.Arg125Lys (NM_001378245.1, NM_001378246.1); short protein forms R143K, R125K.
Identifiers: ClinVar variation 1396645 (VCV001396645.6), dbSNP rs2137569487, ClinGen allele CA387501671.
Genomic context (GRCh38, chr13:23,250,706, plus strand): 5'-TACAATCAACCCAGAATGTGACTGTAAATGCGCGCAACTCAGAAGGGGAGGTCACAGGCA[G>A]GTTAAAAGTCGGTGAGTCCAGCTTCATCATGGTGCTTTGCATGCATGTTGTCCATGAATA-3'
Protein context (NP_000222.2, residues 115-135): ARNSEGEVTG[Arg125Lys]LKVGPKMVEV

ClinVar aggregate classification (germline): Uncertain significance (1 of 4 stars; one submission).

Conditions:
Autosomal recessive limb-girdle muscular dystrophy type 2C (LGMDR5). Also called: MUSCULAR DYSTROPHY, LIMB-GIRDLE, AUTOSOMAL RECESSIVE 5; MUSCULAR DYSTROPHY, DUCHENNE-LIKE. Identifiers: Orphanet 353, MedGen C0410173, MONDO:0009677, OMIM 253700. Disease mechanism: Affects gamma-sarcoglycan and also disrupts the integrity of the entire sarcoglycan complex..

Submission:

Labcorp Genetics (formerly Invitae), Labcorp
Classification: Uncertain significance for Autosomal recessive limb-girdle muscular dystrophy type 2C. Last evaluated: 2022-08-22. Review status: criteria provided, single submitter. Criteria: Invitae Variant Classification Sherloc (09022015). Collection method: clinical testing. Allele origin: germline.
Comment: In summary, the available evidence is currently insufficient to determine the role of this variant in disease. Therefore, it has been classified as a Variant of Uncertain Significance. Algorithms developed to predict the effect of missense changes on protein structure and function are either unavailable or do not agree on the potential impact of this missense change (SIFT: "Tolerated"; PolyPhen-2: "Probably Damaging"; Align-GVGD: "Class C0"). ClinVar contains an entry for this variant (Variation ID: 1396645). This variant has not been reported in the literature in individuals affected with SGCG-related conditions. This variant is not present in population databases (gnomAD no frequency). This sequence change replaces arginine, which is basic and polar, with lysine, which is basic and polar, at codon 125 of the SGCG protein (p.Arg125Lys).